The following is an entry in ClinVar:

NM_182914.3(SYNE2):c.4752T>C (p.Phe1584=)

Gene: SYNE2 (spectrin repeat containing nuclear envelope protein 2; plus strand). Cytogenetic location: 14q23.2.
Variant type: single nucleotide variant.
Coding change: c.4752T>C on transcript NM_182914.3 (MANE Select); coding-DNA position 4752, T replaced by C.
Protein change: p.Phe1584=; no amino-acid change (phenylalanine 1584 retained).
Molecular consequence: synonymous variant.
Genome position (GRCh38, 1-based): chr14:64,016,496, T>C. VCF-style: chr14-64016496-T-C. GRCh37 (hg19) VCF-style: chr14-64483214-T-C.
Other names: c.4752T>C, p.Phe1584= (NM_015180.6); c.4752T>C (NM_182914.2).
Identifiers: ClinVar variation 1079919 (VCV001079919.11), dbSNP rs377521714, ClinGen allele CA7220308.

ClinVar aggregate classification (germline): Likely benign. Review status: criteria provided, single submitter (1 of 4 stars). 2 submissions from 2 submitters: Likely benign (1). 1 of the submissions does not count toward it. Last evaluated 2022-02-28.

Conditions:
Emery-Dreifuss muscular dystrophy 5, autosomal dominant (EDMD5). Also called: EMERY-DREIFUSS MUSCULAR DYSTROPHY 5. Identifiers: Orphanet 261, MedGen C2751805, MONDO:0013072, OMIM 612999.
SYNE2-related disorder. Also called: SYNE2-related condition.

Allele frequency attached by ClinVar (database versions not stated): gnomAD exomes below 0.00001; ExAC 0.00001; TOPMed 0.00001; ESP Exome Variant Server 0.00009.
gnomAD v4.1: 31 of 1,593,522 alleles (0.0019%); highest among the groups gnomAD compares: Middle Eastern, 0.019%; no homozygotes.

Submissions (2):

Labcorp Genetics (formerly Invitae), Labcorp
Classification: Likely benign for Emery-Dreifuss muscular dystrophy 5, autosomal dominant. Last evaluated: 2022-02-28. Review status: criteria provided, single submitter. Criteria: Invitae Variant Classification Sherloc (09022015). Collection method: clinical testing. Allele origin: germline.

PreventionGenetics, part of Exact Sciences
Classification: Likely benign for SYNE2-related condition. Last evaluated: 2019-05-08. Review status: no assertion criteria provided. Collection method: clinical testing. Allele origin: germline. Not counted in ClinVar's aggregate classification.
Comment: This variant is classified as likely benign based on ACMG/AMP sequence variant interpretation guidelines (Richards et al. 2015 PMID: 25741868, with internal and published modifications).